The following is an entry in ClinVar:

NM_001330683.2(TTC3):c.3330A>G (p.Leu1110=)

Gene: TTC3 (tetratricopeptide repeat domain 3; plus strand). Cytogenetic location: 21q22.13.
Variant type: single nucleotide variant.
Coding change: c.3330A>G on transcript NM_001330683.2 (MANE Select); coding-DNA position 3330, A replaced by G.
Protein change: p.Leu1110=; no amino-acid change (leucine 1110 retained).
Molecular consequence: synonymous variant.
Genome position (GRCh38, 1-based): chr21:37,164,210, A>G. VCF-style: chr21-37164210-A-G. GRCh37 (hg19) VCF-style: chr21-38536512-A-G.
Other names: c.3330A>G, p.Leu1110= (NM_001001894.3, NM_003316.4); c.3450A>G, p.Leu1150= (NM_001320703.2); c.3384A>G, p.Leu1128= (NM_001320704.2); c.2400A>G, p.Leu800= (NM_001330681.2, NM_001330682.2, NM_001353936.2); c.1164A>G, p.Leu388= (NM_001353937.2, NM_001353938.2).
Identifiers: ClinVar variation 4084543 (VCV004084543.8).
Genomic context (GRCh38, chr21:37,164,210, plus strand): 5'-ATATGTTGTCCGCAATAAGAAGCTATGGGACATGAACCCAAAACAAAAATGTTCAACTCT[A>G]TATGAGTAAGTGGGTTGAAATTTTTACAACCATTATTTTATACTAAGGCTGCCAATTAAA-3'
Protein context (NP_001317612.1, residues 1100-1120): DMNPKQKCST[Leu1110=]YDYFSQFLEE

ClinVar aggregate classification (germline): Likely benign (1 of 4 stars; one submission).

gnomAD v4.1: 14 of 1,595,422 alleles (0.00088%); highest among the groups gnomAD compares: Admixed American, 0.0018%; no homozygotes.

Submission:

CeGaT Center for Human Genetics Tuebingen
Classification: Likely benign. Last evaluated: 2025-07-01. Review status: criteria provided, single submitter. Criteria: CeGaT Center For Human Genetics Tuebingen Variant Classification Criteria Version 2. Collection method: clinical testing. Allele origin: germline. Affected: yes. Observed: 1 variant allele.
Comment: TTC3: BP4, BP7